The following is an entry in ClinVar:

NM_001034853.2(RPGR):c.2357_2375del (p.Lys786fs)

Gene: RPGR (retinitis pigmentosa GTPase regulator; minus strand). Cytogenetic location: Xp11.4.
Variant type: Deletion.
Coding change: c.2357_2375del on transcript NM_001034853.2 (MANE Select); coding-DNA positions 2357 to 2375, 19 bases deleted (AAGGAGAGGAAGAAGGAGA).
Protein change: p.Lys786fs; shifts the reading frame from lysine 786.
Molecular consequence: frameshift variant. On other transcripts: intron variant (8).
Genome position (GRCh38, 1-based): chrX:38,286,624-38,286,642, TCTCCTTCTTCCTCTCCTT deleted on the plus strand (AAGGAGAGGAAGAAGGAGA on the coding strand, the reverse complement: RPGR is on the minus strand); deleting any 19 consecutive bases within chrX:38,286,624-38,286,648 gives the same sequence; the c. name uses the placement nearest the transcript's 3' end. VCF-style (leftmost placement, unchanged base first): chrX-38286623-GTCTCCTTCTTCCTCTCCTT-G. GRCh37 (hg19) VCF-style: chrX-38145876-GTCTCCTTCTTCCTCTCCTT-G.
Other names: NC_000023.10:g.38145883_38145901del; NP_001030025.1:p.(Lys786ThrfsTer23); c.1569+4317_1569+4335del (NM_001367249.1, NM_001367250.1); c.1902+452_1902+470del (NM_001367245.1); c.1386+4317_1386+4335del (NM_001367251.1); c.1719+452_1719+470del (NM_001367246.1); c.1572+4317_1572+4335del (NM_001367247.1); c.1905+452_1905+470del (NM_000328.3); and 1 more; short protein forms K786fs.
Identifiers: ClinVar variation 2577494 (VCV002577494.5), dbSNP rs2519791561, ClinGen allele CA2580617527.

ClinVar aggregate classification (germline): Pathogenic/Likely pathogenic. Review status: criteria provided, multiple submitters, no conflicts (2 of 4 stars). 2 submissions from 2 submitters: Pathogenic (1); Likely pathogenic (1). Last evaluated 2025-07-02.

Conditions:
Retinitis pigmentosa (RP). Identifiers: Orphanet 791, MedGen C0035334, MeSH D012174, MONDO:0019200, OMIM 268000. Inheritance: Autosomal dominant, autosomal recessive and X linked inheritance.
Primary ciliary dyskinesia. Also called: Ciliary dyskinesia. Identifiers: Orphanet 244, MedGen C0008780, MONDO:0016575, HP:0012265.

Submissions (2):

Labcorp Genetics (formerly Invitae), Labcorp
Classification: Pathogenic for Primary ciliary dyskinesia. Last evaluated: 2025-07-02. Review status: criteria provided, single submitter. Criteria: Invitae Variant Classification Sherloc (09022015). Collection method: clinical testing. Allele origin: germline.
Comment: This sequence change creates a premature translational stop signal (p.Lys786Thrfs*23) in the RPGR (ORF15) gene. While this is not anticipated to result in nonsense mediated decay, it is expected to disrupt the last 367 amino acid(s) of the RPGR (ORF15) protein. This variant is not present in population databases (gnomAD no frequency). This premature translational stop signal has been observed in individual(s) with retinitis pigmentosa (PMID: 32036094). ClinVar contains an entry for this variant (Variation ID: 2577494). This variant disrupts a region of the RPGR (ORF15) protein in which other variant(s) (p.Leu1130Lysfs*13) have been determined to be pathogenic (PMID: 22264887; internal data). This suggests that this is a clinically significant region of the protein, and that variants that disrupt it are likely to be disease-causing. For these reasons, this variant has been classified as Pathogenic.

Ophthalmic Genetics Group, Institute of Molecular and Clinical Ophthalmology Basel
Classification: Likely pathogenic for Retinitis pigmentosa. Last evaluated: 2023-07-24. Review status: criteria provided, single submitter. Criteria: ACMG Guidelines, 2015. Collection method: research. Allele origin: germline. Affected: yes. Observed: 1 variant allele.
Comment: Clinical significance based on ACMG v2.0

This variant was classified as Likely pathogenic based on ACMG criteria: PVS1, PM2.

Literature cited by the submitters: PubMed 32036094 (cited by Labcorp Genetics (formerly Invitae), Labcorp); PubMed 22264887 (cited by Labcorp Genetics (formerly Invitae), Labcorp); PubMed 36909829 (cited by Ophthalmic Genetics Group, Institute of Molecular and Clinical Ophthalmology Basel).